The following is an entry in ClinVar:

NM_000548.5(TSC2):c.2692A>C (p.Ile898Leu)

Gene: TSC2 (TSC complex subunit 2; plus strand). Cytogenetic location: 16p13.3.
Variant type: single nucleotide variant.
Coding change: c.2692A>C on transcript NM_000548.5 (MANE Select); coding-DNA position 2692, A replaced by C.
Protein change: p.Ile898Leu; replaces isoleucine 898 with leucine.
Molecular consequence: missense variant. On other transcripts: non-coding transcript variant (5).
Genome position (GRCh38, 1-based): chr16:2,076,120, A>C. VCF-style: chr16-2076120-A-C. GRCh37 (hg19) VCF-style: chr16-2126121-A-C.
Other names: c.2692A>C, p.Ile898Leu (NM_001077183.3, NM_001114382.3, NM_001363528.2 and 6 more transcripts); c.2581A>C, p.Ile861Leu (NM_001318827.2, NM_001406670.1, NM_001406678.1); c.2545A>C, p.Ile849Leu (NM_001318829.2, NM_001406675.1, NM_001406676.1 and 1 more transcripts); c.2092A>C, p.Ile698Leu (NM_001318831.2, NM_001406684.1, NM_001406685.1 and 6 more transcripts); c.2725A>C, p.Ile909Leu (NM_001318832.2); c.2782A>C, p.Ile928Leu (NM_001406667.1, NM_001406668.1); c.2680A>C, p.Ile894Leu (NM_001406671.1, NM_001406673.1); c.1348A>C, p.Ile450Leu (NM_001406689.1, NM_001406690.1, NM_001406691.1 and 6 more transcripts); and 3 more; short protein forms I364L, I698L, I744L, I861L, I928L, I898L, I450L, I879L.
Identifiers: ClinVar variation 4842416 (VCV004842416.1).

ClinVar aggregate classification (germline): Uncertain significance (1 of 4 stars; one submission).

Conditions:
Hereditary cancer-predisposing syndrome. Also called: Neoplastic Syndromes, Hereditary; Tumor predisposition; Hereditary Cancer Syndrome; Hereditary neoplastic syndrome. Identifiers: Orphanet 140162, MedGen C0027672, MeSH D009386, MONDO:0015356.

Submission:

Ambry Genetics
Classification: Uncertain significance for Hereditary cancer-predisposing syndrome. Last evaluated: 2025-12-30. Review status: criteria provided, single submitter. Criteria: Ambry Variant Classification Scheme 2023. Collection method: clinical testing. Allele origin: germline.
Comment: The p.I898L variant (also known as c.2692A>C), located in coding exon 23 of the TSC2 gene, results from an A to C substitution at nucleotide position 2692. The isoleucine at codon 898 is replaced by leucine, an amino acid with highly similar properties. This amino acid position is conserved. In addition, this alteration is predicted to be deleterious by in silico analysis. Based on the available evidence, the clinical significance of this variant remains unclear.